The following is an entry in ClinVar:

NM_015896.4(ZMYND10):c.852T>A (p.Phe284Leu)

Gene: ZMYND10 (zinc finger MYND-type containing 10; minus strand). Cytogenetic location: 3p21.31.
Variant type: single nucleotide variant.
Coding change: c.852T>A on transcript NM_015896.4 (MANE Select); coding-DNA position 852, T replaced by A.
Protein change: p.Phe284Leu; replaces phenylalanine 284 with leucine.
Molecular consequence: missense variant.
Genome position (GRCh38, 1-based): chr3:50,342,418, A>T on the plus strand (T>A on the coding strand, the complement: ZMYND10 is on the minus strand). VCF-style: chr3-50342418-A-T. GRCh37 (hg19) VCF-style: chr3-50379849-A-T.
Other names: c.837T>A, p.Phe279Leu (NM_001308379.2); short protein forms F279L, F284L.
Identifiers: ClinVar variation 658049 (VCV000658049.6), dbSNP rs760826410, ClinGen allele CA2417072.

ClinVar aggregate classification (germline): Uncertain significance (1 of 4 stars; one submission).

Conditions:
Primary ciliary dyskinesia. Also called: Ciliary dyskinesia. Identifiers: Orphanet 244, MedGen C0008780, MONDO:0016575, HP:0012265.

Allele frequency attached by ClinVar (database versions not stated): gnomAD exomes below 0.00001; ExAC 0.00002.
gnomAD v4.1: 2 of 1,593,084 alleles (0.00013%); highest among the groups gnomAD compares: Middle Eastern, 0.017%; no homozygotes.

Submission:

Labcorp Genetics (formerly Invitae), Labcorp
Classification: Uncertain significance for Primary ciliary dyskinesia. Last evaluated: 2022-07-15. Review status: criteria provided, single submitter. Criteria: Invitae Variant Classification Sherloc (09022015). Collection method: clinical testing. Allele origin: germline.
Comment: This sequence change replaces phenylalanine, which is neutral and non-polar, with leucine, which is neutral and non-polar, at codon 284 of the ZMYND10 protein (p.Phe284Leu). This variant is present in population databases (rs760826410, gnomAD 0.001%). This variant has not been reported in the literature in individuals affected with ZMYND10-related conditions. ClinVar contains an entry for this variant (Variation ID: 658049). Algorithms developed to predict the effect of missense changes on protein structure and function are either unavailable or do not agree on the potential impact of this missense change (SIFT: "Tolerated"; PolyPhen-2: "Possibly Damaging"; Align-GVGD: "Class C0"). Algorithms developed to predict the effect of sequence changes on RNA splicing suggest that this variant may create or strengthen a splice site. In summary, the available evidence is currently insufficient to determine the role of this variant in disease. Therefore, it has been classified as a Variant of Uncertain Significance.